The following is an entry in ClinVar:

NM_003922.4(HERC1):c.1026+6T>C

Gene: HERC1 (HECT and RLD domain containing E3 ubiquitin protein ligase family member 1; minus strand). Cytogenetic location: 15q22.31.
Variant type: single nucleotide variant.
Coding change: c.1026+6T>C on transcript NM_003922.4 (MANE Select); 6 bases into the intron after coding-DNA position 1026, T replaced by C.
Molecular consequence: intron variant.
Genome position (GRCh38, 1-based): chr15:63,764,090, A>G on the plus strand (T>C on the coding strand, the complement: HERC1 is on the minus strand). VCF-style: chr15-63764090-A-G. GRCh37 (hg19) VCF-style: chr15-64056289-A-G.
Identifiers: ClinVar variation 2073069 (VCV002073069.2), dbSNP rs369423885, ClinGen allele CA7606553.

ClinVar aggregate classification (germline): Uncertain significance. Review status: criteria provided, multiple submitters, no conflicts (2 of 4 stars). 2 submissions from 2 submitters: Uncertain significance (2). Last evaluated 2026-06-18.

Allele frequency attached by ClinVar (database versions not stated): gnomAD 0.00015; ESP Exome Variant Server 0.00016; gnomAD exomes 0.00002; ExAC 0.00008; TOPMed 0.00020.
gnomAD v4.1: 51 of 1,588,296 alleles (0.0032%); highest among the groups gnomAD compares: African/African-American, 0.058%; no homozygotes.

Submissions (2):

Women's Health and Genetics/Laboratory Corporation of America, LabCorp
Classification: Uncertain significance. Last evaluated: 2026-06-18. Review status: criteria provided, single submitter. Criteria: LabCorp Variant Classification Summary - May 2015. Collection method: clinical testing. Allele origin: germline.
Comment: Variant summary: HERC1 c.1026+6T>C alters a conserved nucleotide located close to a canonical splice site and therefore could affect mRNA splicing, leading to a significantly altered protein sequence. Consensus agreement among computation tools predict no significant impact on normal splicing. However, these predictions have yet to be confirmed by functional studies. The variant allele was found at a frequency of 3.9e-05 in 232204 control chromosomes. The available data on variant occurrences in the general population are insufficient to allow any conclusion about variant significance. To our knowledge, no occurrence of c.1026+6T>C in individuals affected with HERC1-related conditions and no experimental evidence demonstrating its impact on protein function have been reported. ClinVar contains an entry for this variant (Variation ID: 2073069). Based on the evidence outlined above, the variant was classified as uncertain significance.

Labcorp Genetics (formerly Invitae), Labcorp
Classification: Uncertain significance. Last evaluated: 2022-06-09. Review status: criteria provided, single submitter. Criteria: Invitae Variant Classification Sherloc (09022015). Collection method: clinical testing. Allele origin: germline.
Comment: This sequence change falls in intron 3 of the HERC1 gene. It does not directly change the encoded amino acid sequence of the HERC1 protein. It affects a nucleotide within the consensus splice site. This variant is present in population databases (rs369423885, gnomAD 0.05%). This variant has not been reported in the literature in individuals affected with HERC1-related conditions. Variants that disrupt the consensus splice site are a relatively common cause of aberrant splicing (PMID: 17576681, 9536098). Algorithms developed to predict the effect of sequence changes on RNA splicing suggest that this variant is not likely to affect RNA splicing. In summary, the available evidence is currently insufficient to determine the role of this variant in disease. Therefore, it has been classified as a Variant of Uncertain Significance.

Literature cited by the submitters: PubMed 17576681 (cited by Labcorp Genetics (formerly Invitae), Labcorp); PubMed 9536098 (cited by Labcorp Genetics (formerly Invitae), Labcorp).